The following is an entry in ClinVar:

NM_005751.5(AKAP9):c.8894A>G (p.Tyr2965Cys)

Gene: AKAP9 (A-kinase anchoring protein 9; plus strand). Cytogenetic location: 7q21.2.
Variant type: single nucleotide variant.
Coding change: c.8894A>G on transcript NM_005751.5 (MANE Select); coding-DNA position 8894, A replaced by G.
Protein change: p.Tyr2965Cys; replaces tyrosine 2965 with cysteine.
Molecular consequence: missense variant.
Genome position (GRCh38, 1-based): chr7:92,085,556, A>G. VCF-style: chr7-92085556-A-G. GRCh37 (hg19) VCF-style: chr7-91714870-A-G.
Other names: c.3539A>G, p.Tyr1180Cys (NM_001379277.1); c.8870A>G, p.Tyr2957Cys (NM_147185.3); short protein forms Y2965C, Y2957C, Y1180C.
Identifiers: ClinVar variation 191394 (VCV000191394.16), dbSNP rs201958512, ClinGen allele CA236506.
Genomic context (GRCh38, chr7:92,085,556, plus strand): 5'-GATTACTGAGAGCTGTCCATAATGAAGGCATGCAGGTGCTTTCTCTCACTGAGTCTCCCT[A>G]TAGTGATGGAGAGGACCATTCTATTCAGCAGGTTTCAGAACCTTGGCTAGAAGAGAGAAA-3'
Protein context (NP_005742.4, residues 2955-2975): MQVLSLTESP[Tyr2965Cys]SDGEDHSIQQ

ClinVar aggregate classification (germline): Conflicting classifications of pathogenicity. Review status: criteria provided, conflicting classifications (1 of 4 stars). 4 submissions from 4 submitters: Uncertain significance (1); Likely benign (2). 1 of the submissions does not count toward it. Last evaluated 2026-01-26.

Conditions:
AKAP9-related disorder. Also called: AKAP9-related condition.
Cardiovascular phenotype. Identifiers: MedGen CN230736.
Long QT syndrome (LQTS). Identifiers: MedGen C0023976, MeSH D008133, MONDO:0002442. Disease mechanism: loss of function. Inheritance: Various modes of inheritance.

Allele frequency attached by ClinVar (database versions not stated): ExAC 0.00040; 1000 Genomes Project 0.00160; gnomAD below 0.00001 and 0.00009; TOPMed 0.00003; gnomAD exomes 0.00035; 1000 Genomes Project 30x 0.00187.
gnomAD v4.1: 226 of 1,614,022 alleles (0.014%); highest among the groups gnomAD compares: South Asian, 0.22%; 3 homozygotes.

Submissions (4):

Labcorp Genetics (formerly Invitae), Labcorp
Classification: Likely benign for Long QT syndrome. Last evaluated: 2026-01-26. Review status: criteria provided, single submitter. Criteria: Invitae Variant Classification Sherloc (09022015). Collection method: clinical testing. Allele origin: germline.

Ambry Genetics
Classification: Likely benign for Cardiovascular phenotype. Last evaluated: 2020-06-24. Review status: criteria provided, single submitter. Criteria: Ambry Variant Classification Scheme 2023. Collection method: clinical testing. Allele origin: germline.

Biesecker Lab/Clinical Genomics Section, National Institutes of Health
Classification: Uncertain significance. Last evaluated: 2013-06-24. Review status: criteria provided, single submitter. Criteria: Ng et al. (Circ Cardiovasc Genet. 2013). Collection method: research. Allele origin: unknown. Observed: 1 variant allele. Study: ClinSeq.
Comment: The study set was not selected for affection status in relation to any cancer. Pathogenicity categories were based on literature curation. See Pubmed ID:23861362 for details.

Medical sequencing

PreventionGenetics, part of Exact Sciences
Classification: Likely benign for AKAP9-related condition. Last evaluated: 2019-05-14. Review status: no assertion criteria provided. Collection method: clinical testing. Allele origin: germline. Not counted in ClinVar's aggregate classification.
Comment: This variant is classified as likely benign based on ACMG/AMP sequence variant interpretation guidelines (Richards et al. 2015 PMID: 25741868, with internal and published modifications).

Literature cited by the submitters: PubMed 23861362 (cited by Ambry Genetics).